The following is an entry in ClinVar:

ClinVar aggregate classification (germline): Uncertain significance (1 of 4 stars; one submission).

Conditions:
ANKRD11-related disorder. Also called: ANKRD11-related condition.

Submission:

PreventionGenetics, part of Exact Sciences
Classification: Uncertain significance for ANKRD11-related condition. Last evaluated: 2026-04-06. Review status: criteria provided, single submitter. Criteria: ACMG Guidelines, 2015. Collection method: clinical testing. Allele origin: germline.
Comment: The ANKRD11 c.7742G>A variant is predicted to result in the amino acid substitution p.Arg2581His. To our knowledge, this variant has not been reported in the literature or in a large population database (gnomAD), indicating this variant is rare. An alternate missense variant affecting the same amino acid (c.7741C>T, p.Arg2581Cys) has been reported in multiple individuals with KBG syndrome (de Boer et al. 2022. PubMed ID: 35833929; Digilio et al. 2022. PubMed ID: 34971082). At this time, the clinical significance of this variant is uncertain due to the absence of conclusive functional and genetic evidence.

NM_013275.6(ANKRD11):c.7742G>A (p.Arg2581His)

Gene: ANKRD11 (ankyrin repeat domain 11; minus strand). Cytogenetic location: 16q24.3.
Variant type: single nucleotide variant.
Coding change: c.7742G>A on transcript NM_013275.6 (MANE Select); coding-DNA position 7742, G replaced by A.
Protein change: p.Arg2581His; replaces arginine 2581 with histidine.
Molecular consequence: missense variant.
Genome position (GRCh38, 1-based): chr16:89,270,881, C>T on the plus strand (G>A on the coding strand, the complement: ANKRD11 is on the minus strand). VCF-style: chr16-89270881-C-T. GRCh37 (hg19) VCF-style: chr16-89337289-C-T.
Other names: c.7742G>A, p.Arg2581His (NM_001256182.2, NM_001256183.2); short protein forms R2581H.
Identifiers: ClinVar variation 4993974 (VCV004993974.1).